The following is an entry in ClinVar:

NM_001379500.1(COL18A1):c.1519C>T (p.Arg507Cys)

Gene: COL18A1 (collagen type XVIII alpha 1 chain; plus strand). Cytogenetic location: 21q22.3.
Variant type: single nucleotide variant.
Coding change: c.1519C>T on transcript NM_001379500.1 (MANE Select); coding-DNA position 1519, C replaced by T.
Protein change: p.Arg507Cys; replaces arginine 507 with cysteine.
Molecular consequence: missense variant.
Genome position (GRCh38, 1-based): chr21:45,480,766, C>T. VCF-style: chr21-45480766-C-T. GRCh37 (hg19) VCF-style: chr21-46900680-C-T.
Other names: c.2059C>T, p.Arg687Cys (NM_030582.4); c.2764C>T, p.Arg922Cys (NM_130444.3); short protein forms R687C, R922C, R507C.
Identifiers: ClinVar variation 1358046 (VCV001358046.6), dbSNP rs764759377, ClinGen allele CA10066375.
Genomic context (GRCh38, chr21:45,480,766, plus strand): 5'-CGAGGCTTCCCTGGACCTCCCGGACCCCCCGGTGTCCCAGGCCTGCCCGGCGAGCCAGGC[C>T]GCTTTGGGGTGAACAGCTCCGACGTCCCAGGACCCGCCGGCCTTCCTGGTGTGCCTGGGC-3'
Protein context (NP_001366429.1, residues 497-517): GVPGLPGEPG[Arg507Cys]FGVNSSDVPG

ClinVar aggregate classification (germline): Uncertain significance (1 of 4 stars; one submission).

Allele frequency attached by ClinVar (database versions not stated): ExAC 0.00001; gnomAD 0.00001; TOPMed 0.00001.
gnomAD v4.1: 13 of 1,611,234 alleles (0.00081%); highest among the groups gnomAD compares: Middle Eastern, 0.016%; no homozygotes.

Submission:

Labcorp Genetics (formerly Invitae), Labcorp
Classification: Uncertain significance. Last evaluated: 2024-10-23. Review status: criteria provided, single submitter. Criteria: Invitae Variant Classification Sherloc (09022015). Collection method: clinical testing. Allele origin: germline.
Comment: This sequence change replaces arginine with cystein at codon 507 of the COL18A1 protein (p.Arg507Cys). There is a large physicochemical difference between glycine and serine. This variant is present in population databases (rs764759377, gnomAD 0.007%). This variant has not been reported in the literature in individuals affected with COL18A1-related conditions. ClinVar contains an entry for this variant (Variation ID: 1358046). Experimental studies and prediction algorithms are not available or were not evaluated, and the functional significance of this variant is currently unknown. In summary, the available evidence is currently insufficient to determine the role of this variant in disease. Therefore, it has been classified as a Variant of Uncertain Significance.